The following is an entry in ClinVar:

NM_004260.4(RECQL4):c.3073G>C (p.Gly1025Arg)

Gene: RECQL4 (RecQ like helicase 4; minus strand). Cytogenetic location: 8q24.3.
Variant type: single nucleotide variant.
Coding change: c.3073G>C on transcript NM_004260.4 (MANE Select); coding-DNA position 3073, G replaced by C.
Protein change: p.Gly1025Arg; replaces glycine 1025 with arginine.
Molecular consequence: missense variant.
Genome position (GRCh38, 1-based): chr8:144,512,307, C>G on the plus strand (G>C on the coding strand, the complement: RECQL4 is on the minus strand). VCF-style: chr8-144512307-C-G. GRCh37 (hg19) VCF-style: chr8-145737690-C-G.
Other names: short protein forms G1025R.
Identifiers: ClinVar variation 1389934 (VCV001389934.6), dbSNP rs373739637, ClinGen allele CA187679750.
Genomic context (GRCh38, chr8:144,512,307, plus strand): 5'-CGGTCAAGTCCCCCGGGCTGCGAAGGTGGAAGGCCAGCTCACTGAACTCCACAAGCACCC[C>G]TGTCCCACGCCGCACACCTGCCGGAAAGCATGTCAGATGCAGGCAGGCAGCGTCCAGGGC-3'
Protein context (NP_004251.4, residues 1015-1035): EPRTGVRRGT[Gly1025Arg]VLVEFSELAF

ClinVar aggregate classification (germline): Uncertain significance (1 of 4 stars; one submission).

Conditions:
Baller-Gerold syndrome (BGS). Also called: CRANIOSYNOSTOSIS WITH RADIAL DEFECTS. Identifiers: Orphanet 1225, MedGen C0265308, MONDO:0009039, OMIM 218600.

Allele frequency attached by ClinVar (database versions not stated): gnomAD exomes below 0.00001; gnomAD 0.00001; TOPMed 0.00001; ESP Exome Variant Server 0.00008.
gnomAD v4.1: 6 of 1,612,264 alleles (0.00037%); highest among the groups gnomAD compares: Non-Finnish European, 0.00042%; no homozygotes.

Submission:

Labcorp Genetics (formerly Invitae), Labcorp
Classification: Uncertain significance for Baller-Gerold syndrome. Last evaluated: 2025-07-21. Review status: criteria provided, single submitter. Criteria: Invitae Variant Classification Sherloc (09022015). Collection method: clinical testing. Allele origin: germline.
Comment: This sequence change replaces glycine, which is neutral and non-polar, with arginine, which is basic and polar, at codon 1025 of the RECQL4 protein (p.Gly1025Arg). This variant is not present in population databases (gnomAD no frequency). This variant has not been reported in the literature in individuals affected with RECQL4-related conditions. ClinVar contains an entry for this variant (Variation ID: 1389934). Invitae Evidence Modeling of protein sequence and biophysical properties (such as structural, functional, and spatial information, amino acid conservation, physicochemical variation, residue mobility, and thermodynamic stability) indicates that this missense variant is not expected to disrupt RECQL4 protein function with a negative predictive value of 80%. In summary, the available evidence is currently insufficient to determine the role of this variant in disease. Therefore, it has been classified as a Variant of Uncertain Significance.